The following is an entry in ClinVar:

NM_152594.3(SPRED1):c.1180G>A (p.Asp394Asn)

Gene: SPRED1 (sprouty related EVH1 domain containing 1; plus strand). Cytogenetic location: 15q14.
Variant type: single nucleotide variant.
Coding change: c.1180G>A on transcript NM_152594.3 (MANE Select); coding-DNA position 1180, G replaced by A.
Protein change: p.Asp394Asn; replaces aspartic acid 394 with asparagine.
Molecular consequence: missense variant.
Genome position (GRCh38, 1-based): chr15:38,351,509, G>A. VCF-style: chr15-38351509-G-A. GRCh37 (hg19) VCF-style: chr15-38643710-G-A.
Other names: short protein forms D394N.
Identifiers: ClinVar variation 4874740 (VCV004874740.2).

ClinVar aggregate classification (germline): Uncertain significance (1 of 4 stars; one submission).

Submission:

CeGaT Center for Human Genetics Tuebingen
Classification: Uncertain significance. Last evaluated: 2026-04-01. Review status: criteria provided, single submitter. Criteria: CeGaT Center For Human Genetics Tuebingen Variant Classification Criteria Version 2. Collection method: clinical testing. Allele origin: germline. Affected: yes. Observed: 1 variant allele.
Comment: SPRED1: PM2